The following is an entry in ClinVar:

ClinVar aggregate classification (germline): Pathogenic (1 of 4 stars; one submission).

Allele frequency attached by ClinVar (database versions not stated): TOPMed 0.00001.

Submission:

Labcorp Genetics (formerly Invitae), Labcorp
Classification: Pathogenic. Last evaluated: 2024-04-16. Review status: criteria provided, single submitter. Criteria: Invitae Variant Classification Sherloc (09022015). Collection method: clinical testing. Allele origin: germline.
Comment: This sequence change creates a premature translational stop signal (p.Val1080Argfs*15) in the RTTN gene. It is expected to result in an absent or disrupted protein product. Loss-of-function variants in RTTN are known to be pathogenic (PMID: 26608784, 26846091). This variant is not present in population databases (gnomAD no frequency). This variant has not been reported in the literature in individuals affected with RTTN-related conditions. ClinVar contains an entry for this variant (Variation ID: 2175258). For these reasons, this variant has been classified as Pathogenic.

Literature cited by the submitters: PubMed 26608784; PubMed 26846091.

NM_173630.4(RTTN):c.3238_3241del (p.Val1080fs)

Gene: RTTN (rotatin; minus strand). Cytogenetic location: 18q22.2.
Variant type: Deletion.
Coding change: c.3238_3241del on transcript NM_173630.4 (MANE Select); coding-DNA positions 3238 to 3241, 4 bases deleted (GTTC; older notation c.3238_3241delGTTC).
Protein change: p.Val1080fs; shifts the reading frame from valine 1080.
Molecular consequence: frameshift variant.
Genome position (GRCh38, 1-based): chr18:70,127,644-70,127,647, GAAC deleted on the plus strand (GTTC on the coding strand, the reverse complement: RTTN is on the minus strand). VCF-style (leftmost placement, unchanged base first): chr18-70127643-TGAAC-T. GRCh37 (hg19) VCF-style: chr18-67794879-TGAAC-T.
Other names: c.502_505del, p.Val168fs (NM_001318520.2); short protein forms V1080fs, V168fs.
Identifiers: ClinVar variation 2175258 (VCV002175258.4), dbSNP rs2059899625, ClinGen allele CA2311988181.